The following is an entry in ClinVar:

NM_199420.4(POLQ):c.287A>C (p.Gln96Pro)

Gene: POLQ (DNA polymerase theta; minus strand). Cytogenetic location: 3q13.33.
Variant type: single nucleotide variant.
Coding change: c.287A>C on transcript NM_199420.4 (MANE Select); coding-DNA position 287, A replaced by C.
Protein change: p.Gln96Pro; replaces glutamine 96 with proline.
Molecular consequence: missense variant.
Genome position (GRCh38, 1-based): chr3:121,544,783, T>G on the plus strand (A>C on the coding strand, the complement: POLQ is on the minus strand). VCF-style: chr3-121544783-T-G. GRCh37 (hg19) VCF-style: chr3-121263630-T-G.
Other names: short protein forms Q96P.
Identifiers: ClinVar variation 1797143 (VCV001797143.3), dbSNP rs2546827901, ClinGen allele CA354094470.
Genomic context (GRCh38, chr3:121,544,783, plus strand): 5'-ATACCTGAATAAACTAAATTCTTTCCTTCCAGGACTTGTCCAAGCAAAAGGCACTCTGCC[T>G]GCCATTCAAACATCTTTTTTACACCAAAACTGTGGTATTTTTCCAGAACTGCTTTAGGAA-3'
Protein context (NP_955452.3, residues 86-106): SFGVKKMFEW[Gln96Pro]AECLLLGQVL

ClinVar aggregate classification (germline): Uncertain significance (1 of 4 stars; one submission).

Submission:

Ambry Genetics
Classification: Uncertain significance. Last evaluated: 2024-05-18. Review status: criteria provided, single submitter. Criteria: Ambry Variant Classification Scheme 2023. Collection method: clinical testing. Allele origin: germline.
Comment: The p.Q96P variant (also known as c.287A>C), located in coding exon 2 of the POLQ gene, results from an A to C substitution at nucleotide position 287. The glutamine at codon 96 is replaced by proline, an amino acid with similar properties. This amino acid position is conserved. In addition, this alteration is predicted to be deleterious by in silico analysis. Since supporting evidence is limited at this time, the clinical significance of this alteration remains unclear.